The following is an entry in ClinVar:

NM_015021.3(ZNF292):c.3876T>C (p.Asn1292=)

Gene: ZNF292 (zinc finger protein 292; plus strand). Cytogenetic location: 6q14.3.
Variant type: single nucleotide variant.
Coding change: c.3876T>C on transcript NM_015021.3 (MANE Select); coding-DNA position 3876, T replaced by C.
Protein change: p.Asn1292=; no amino-acid change (asparagine 1292 retained).
Molecular consequence: synonymous variant.
Genome position (GRCh38, 1-based): chr6:87,257,505, T>C. VCF-style: chr6-87257505-T-C. GRCh37 (hg19) VCF-style: chr6-87967223-T-C.
Other names: c.3456T>C, p.Asn1152= (NM_001351444.2).
Identifiers: ClinVar variation 3050940 (VCV003050940.2), dbSNP rs374397962, ClinGen allele CA3914194.
Genomic context (GRCh38, chr6:87,257,505, plus strand): 5'-GTCTCTCTTCCCTTCACCAGCAGATAGTGGGACTAATTCTGTTTTTTCCCAACTGGAAAA[T>C]AATACAAATCATTATTCCTCACAGATTGAAGGAAACACTAATTCCTCCTTTCTAAAGGGG-3'
Protein context (NP_055836.1, residues 1282-1302): GTNSVFSQLE[Asn1292=]NTNHYSSQIE

ClinVar aggregate classification (germline): Likely benign (0 of 4 stars; one submission).

Conditions:
ZNF292-related disorder. Also called: ZNF292-related condition.

Allele frequency attached by ClinVar (database versions not stated): gnomAD exomes 0.00001; ExAC 0.00002; gnomAD 0.00009; TOPMed 0.00013; ESP Exome Variant Server 0.00017.

Submission:

PreventionGenetics, part of Exact Sciences
Classification: Likely benign for ZNF292-related condition. Last evaluated: 2022-02-11. Review status: no assertion criteria provided. Collection method: clinical testing. Allele origin: germline.
Comment: This variant is classified as likely benign based on ACMG/AMP sequence variant interpretation guidelines (Richards et al. 2015 PMID: 25741868, with internal and published modifications).